The following is an entry in ClinVar:

NM_001365276.2(TNXB):c.1013del (p.Gly338fs)

Gene: TNXB (tenascin XB; minus strand). Cytogenetic location: 6p21.33.
Variant type: Deletion.
Coding change: c.1013del on transcript NM_001365276.2 (MANE Select); coding-DNA position 1013, one base deleted (G; older notation c.1013delG).
Protein change: p.Gly338fs; shifts the reading frame from glycine 338.
Molecular consequence: frameshift variant.
Genome position (GRCh38, 1-based): chr6:32,096,840, C deleted on the plus strand (G on the coding strand, the reverse complement: TNXB is on the minus strand); the first of 2 consecutive C bases (chr6:32,096,840-32,096,841); deleting either gives the same sequence. VCF-style (leftmost placement, unchanged base first): chr6-32096839-AC-A. GRCh37 (hg19) VCF-style: chr6-32064616-AC-A.
Other names: c.1013del, p.Gly338fs (NM_001428335.1, NM_019105.8); short protein forms G338fs.
Identifiers: ClinVar variation 5015962 (VCV005015962.1).
Genomic context (GRCh38, chr6:32,096,839, plus strand): 5'-CACGCAGCGGCCGTCCACGCAGCGCCCGCCCTCGCCACAGTCCCAGGGGCAGCTCCGCGT[AC>A]CACAGTCCTCGCCAGTGTAGCCGGGGTCACACACGCAGCGCCCGTCCTTGCAGCGTCCCC-3'

ClinVar aggregate classification (germline): Pathogenic (1 of 4 stars; one submission).

Conditions:
Ehlers-Danlos syndrome due to tenascin-X deficiency (EDSCLL1). Also called: EDS DUE TO TNX DEFICIENCY; TNX DEFICIENCY; Ehlers-Danlos syndrome, classic-like, 1; EHLERS-DANLOS SYNDROME, CLASSIC-LIKE; TNXB-Related Classical-Like Ehlers-Danlos Syndrome. Identifiers: Orphanet 230839, MedGen C1848029, MONDO:0011670, OMIM 606408.

Submission:

Myriad Genetics, Inc.
Classification: Pathogenic for Ehlers-Danlos syndrome due to tenascin-X deficiency. Last evaluated: 2026-05-27. Review status: criteria provided, single submitter. Criteria: Myriad Autosomal Dominant, Autosomal Recessive and X-Linked Classification Criteria (2023). Collection method: clinical testing. Allele origin: unknown.
Comment: NM_019105.6(TNXB):c.1013delG(G338Vfs*233) is expected to be pathogenic in the context of classical-like Ehlers-Danlos syndrome, TNXB-related. This variant is predicted to lead to an abnormal or absent protein product due to the creation of a premature termination codon in TNXB, a gene where loss-of-function variants are known to be pathogenic. Please note: this variant was assessed in the context of healthy population screening.